The following is an entry in ClinVar:

ClinVar aggregate classification (germline): Uncertain significance (1 of 4 stars; one submission).

Submission:

Labcorp Genetics (formerly Invitae), Labcorp
Classification: Uncertain significance. Last evaluated: 2022-11-08. Review status: criteria provided, single submitter. Criteria: Invitae Variant Classification Sherloc (09022015). Collection method: clinical testing. Allele origin: germline.
Comment: In summary, the available evidence is currently insufficient to determine the role of this variant in disease. Therefore, it has been classified as a Variant of Uncertain Significance. This variant has not been reported in the literature in individuals affected with CACNA2D4-related conditions. Information on the frequency of this variant in the gnomAD database is not available, as this variant may be reported differently in the database. This sequence change creates a premature translational stop signal (p.Asp267Glyfs*9) in the CACNA2D4 gene. It is expected to result in an absent or disrupted protein product. However, the current clinical and genetic evidence is not sufficient to establish whether loss-of-function variants in CACNA2D4 cause disease.

NM_172364.5(CACNA2D4):c.800_804delinsGTATAA (p.Asp267fs)

Gene: CACNA2D4 (calcium voltage-gated channel auxiliary subunit alpha2delta 4; minus strand). Cytogenetic location: 12p13.33.
Variant type: Indel.
Coding change: c.800_804delinsGTATAA on transcript NM_172364.5 (MANE Select); coding-DNA positions 800 to 804, ATGAG replaced by GTATAA.
Protein change: p.Asp267fs; shifts the reading frame from aspartic acid 267.
Molecular consequence: frameshift variant.
Genome position (GRCh38, 1-based): chr12:1,887,047-1,887,051, CTCAT replaced by TTATAC on the plus strand (ATGAG replaced by GTATAA on the coding strand, the reverse complement: CACNA2D4 is on the minus strand). VCF-style: chr12-1887047-CTCAT-TTATAC. GRCh37 (hg19) VCF-style: chr12-1996213-CTCAT-TTATAC.
Other names: short protein forms D267fs.
Identifiers: ClinVar variation 969360 (VCV000969360.6), dbSNP rs1866165312, ClinGen allele CA1139662448.